The following is an entry in ClinVar:

NM_006080.3(SEMA3A):c.1568C>T (p.Ala523Val)

Gene: SEMA3A (semaphorin 3A; minus strand). Cytogenetic location: 7q21.11.
Variant type: single nucleotide variant.
Coding change: c.1568C>T on transcript NM_006080.3 (MANE Select); coding-DNA position 1568, C replaced by T.
Protein change: p.Ala523Val; replaces alanine 523 with valine.
Molecular consequence: missense variant.
Genome position (GRCh38, 1-based): chr7:83,981,405, G>A on the plus strand (C>T on the coding strand, the complement: SEMA3A is on the minus strand). VCF-style: chr7-83981405-G-A. GRCh37 (hg19) VCF-style: chr7-83610721-G-A.
Other names: short protein forms A523V.
Identifiers: ClinVar variation 2634295 (VCV002634295.3), dbSNP rs377259138, ClinGen allele CA4322673.

ClinVar aggregate classification (germline): Conflicting classifications of pathogenicity. Review status: criteria provided, conflicting classifications (1 of 4 stars). 2 submissions from 2 submitters: Uncertain significance (1); Likely benign (1). Last evaluated 2026-03-23.

Conditions:
SEMA3A-related disorder. Also called: SEMA3A-related condition.
Inborn genetic diseases. Identifiers: MedGen C0950123, MeSH D030342.

Allele frequency attached by ClinVar (database versions not stated): gnomAD exomes 0.00002; ExAC 0.00006; ESP Exome Variant Server 0.00008; TOPMed 0.00017; gnomAD 0.00021; 1000 Genomes Project 30x 0.00078; 1000 Genomes Project 0.00080.
gnomAD v4.1: 65 of 1,613,798 alleles (0.004%); highest among the groups gnomAD compares: African/African-American, 0.063%; no homozygotes.

Submissions (2):

PreventionGenetics, part of Exact Sciences
Classification: Likely benign for SEMA3A-related condition. Last evaluated: 2026-03-23. Review status: criteria provided, single submitter. Criteria: ACMG Guidelines, 2015. Collection method: clinical testing. Allele origin: germline.
Comment: This variant is classified as likely benign based on ACMG/AMP sequence variant interpretation guidelines (Richards et al. 2015 PMID: 25741868, with internal and published modifications).

Ambry Genetics
Classification: Uncertain significance for Inborn genetic diseases. Last evaluated: 2025-08-28. Review status: criteria provided, single submitter. Criteria: Ambry Variant Classification Scheme 2023. Collection method: clinical testing. Allele origin: germline.